The following is an entry in ClinVar:

ClinVar aggregate classification (germline): Likely pathogenic (1 of 4 stars; one submission).

Allele frequency attached by ClinVar (database versions not stated): ExAC 0.00001; gnomAD 0.00001; 1000 Genomes Project 30x 0.00016; 1000 Genomes Project 0.00020.
gnomAD v4.1: 1 of 1,613,848 alleles (0.000062%); highest among the groups gnomAD compares: East Asian, 0.0022%; no homozygotes.

Submission:

Labcorp Genetics (formerly Invitae), Labcorp
Classification: Likely pathogenic. Last evaluated: 2023-02-14. Review status: criteria provided, single submitter. Criteria: Invitae Variant Classification Sherloc (09022015). Collection method: clinical testing. Allele origin: germline.
Comment: In summary, the currently available evidence indicates that the variant is pathogenic, but additional data are needed to prove that conclusively. Therefore, this variant has been classified as Likely Pathogenic. Algorithms developed to predict the effect of sequence changes on RNA splicing suggest that this variant may disrupt the consensus splice site. This variant has not been reported in the literature in individuals affected with MYO15A-related conditions. This variant is present in population databases (rs573586512, gnomAD 0.006%). This sequence change affects an acceptor splice site in intron 9 of the MYO15A gene. It is expected to disrupt RNA splicing. Variants that disrupt the donor or acceptor splice site typically lead to a loss of protein function (PMID: 16199547), and loss-of-function variants in MYO15A are known to be pathogenic (PMID: 17546645).

Literature cited by the submitters: PubMed 16199547; PubMed 17546645.

NM_016239.4(MYO15A):c.4143-1G>A

Gene: MYO15A (myosin XVA; plus strand). Cytogenetic location: 17p11.2.
Variant type: single nucleotide variant.
Coding change: c.4143-1G>A on transcript NM_016239.4 (MANE Select); the canonical splice acceptor site of the intron before coding-DNA position 4143, G replaced by A.
Molecular consequence: splice acceptor variant.
Genome position (GRCh38, 1-based): chr17:18,131,467, G>A. VCF-style: chr17-18131467-G-A. GRCh37 (hg19) VCF-style: chr17-18034781-G-A.
Identifiers: ClinVar variation 2799217 (VCV002799217.3), dbSNP rs573586512, ClinGen allele CA8423785.